The following is an entry in ClinVar:

ClinVar aggregate classification (germline): Likely pathogenic (1 of 4 stars; one submission).

Submission:

GeneDx
Classification: Likely pathogenic. Last evaluated: 2016-06-01. Review status: criteria provided, single submitter. Criteria: GeneDx Variant Classification (06012015). Collection method: clinical testing. Allele origin: germline. Affected: yes.
Comment: The D370G variant in the TBL1XR1 gene has not been reported previously as a pathogenic variant, nor as a benign variant, to our knowledge. The D370G variant was not observed in approximately 6,000 individuals of European and African American ancestry in the NHLBI Exome Sequencing Project, indicating it is not a common benign variant in these populations. The D370G variant is a non-conservative amino acid substitution, which is likely to impact secondary protein structure as these residues differ in polarity, charge, size and/or other properties. This substitution occurs at a position that is conserved across species. In silico analysis predicts this variant is probably damaging to the protein structure/function. We interpret D370G as strong candidate for a pathogenic variant

NM_024665.7(TBL1XR1):c.1109A>G (p.Asp370Gly)

Genes: TBL1XR1 (TBL1X/Y related 1; minus strand), TBL1XR1-AS1 (TBL1XR1 antisense RNA 1; plus strand), LOC126806878 (CDK7 strongly-dependent group 2 enhancer GRCh37_chr3:176755168-176756367; plus strand). Cytogenetic location: 3q26.32.
Variant type: single nucleotide variant.
Coding change: c.1109A>G on transcript NM_024665.7 (MANE Select); coding-DNA position 1109, A replaced by G.
Protein change: p.Asp370Gly; replaces aspartic acid 370 with glycine.
Molecular consequence: missense variant.
Genome position (GRCh38, 1-based): chr3:177,038,111, T>C on the plus strand (A>G on the coding strand, the complement: TBL1XR1 is on the minus strand). VCF-style: chr3-177038111-T-C. GRCh37 (hg19) VCF-style: chr3-176755899-T-C.
Other names: c.1109A>G, p.Asp370Gly (NM_001321193.3, NM_001321194.3, NM_001374327.1 and 2 more transcripts); c.848A>G, p.Asp283Gly (NM_001321195.3, NM_001374330.1); short protein forms D370G, D283G.
Identifiers: ClinVar variation 432185 (VCV000432185.2), dbSNP rs1553810149, ClinGen allele CA355554965.